The following is an entry in ClinVar:

NM_000127.3(EXT1):c.1421T>G (p.Leu474Ter)

Gene: EXT1 (exostosin glycosyltransferase 1; minus strand). Cytogenetic location: 8q24.11.
Variant type: single nucleotide variant.
Coding change: c.1421T>G on transcript NM_000127.3 (MANE Select); coding-DNA position 1421, T replaced by G.
Protein change: p.Leu474Ter; replaces leucine 474 with a stop codon.
Molecular consequence: nonsense.
Genome position (GRCh38, 1-based): chr8:117,819,791, A>C on the plus strand (T>G on the coding strand, the complement: EXT1 is on the minus strand). VCF-style: chr8-117819791-A-C. GRCh37 (hg19) VCF-style: chr8-118832030-A-C.
Other names: short protein forms L474*.
Identifiers: ClinVar variation 1324356 (VCV001324356.7), dbSNP rs1811893325, ClinGen allele CA371885591.

ClinVar aggregate classification (germline): Pathogenic/Likely pathogenic. Review status: criteria provided, multiple submitters, no conflicts (2 of 4 stars). 2 submissions from 2 submitters: Pathogenic (1); Likely pathogenic (1). Last evaluated 2023-11-25.

Conditions:
Multiple congenital exostosis (EXT). Also called: Hereditary multiple osteochondromas; Multiple osteochondromas; MULTIPLE CARTILAGINOUS EXOSTOSES; Multiple exostoses; Hereditary multiple exostoses; Hereditary multiple exostosis. Identifiers: Orphanet 321, MedGen C0015306, MONDO:0005508, HP:0002762.

Submissions (2):

Labcorp Genetics (formerly Invitae), Labcorp
Classification: Pathogenic for Multiple congenital exostosis. Last evaluated: 2023-11-25. Review status: criteria provided, single submitter. Criteria: Invitae Variant Classification Sherloc (09022015). Collection method: clinical testing. Allele origin: germline.
Comment: This sequence change creates a premature translational stop signal (p.Leu474*) in the EXT1 gene. It is expected to result in an absent or disrupted protein product. Loss-of-function variants in EXT1 are known to be pathogenic (PMID: 10679937, 11391482, 19810120). This variant is not present in population databases (gnomAD no frequency). This premature translational stop signal has been observed in individual(s) with multiple osteochondromas (PMID: 16283885). ClinVar contains an entry for this variant (Variation ID: 1324356). For these reasons, this variant has been classified as Pathogenic.

Revvity Omics, Revvity
Classification: Likely pathogenic. Last evaluated: 2021-02-26. Review status: criteria provided, single submitter. Criteria: ACMG Guidelines, 2015. Collection method: clinical testing. Allele origin: germline.

Literature cited by the submitters: PubMed 10679937 (cited by Labcorp Genetics (formerly Invitae), Labcorp); PubMed 11391482 (cited by Labcorp Genetics (formerly Invitae), Labcorp); PubMed 19810120 (cited by Labcorp Genetics (formerly Invitae), Labcorp); PubMed 16283885 (cited by Labcorp Genetics (formerly Invitae), Labcorp).